The following is an entry in ClinVar:

NM_004408.4(DNM1):c.2576G>A (p.Arg859Lys)

Gene: DNM1 (dynamin 1; plus strand). Cytogenetic location: 9q34.11.
Variant type: single nucleotide variant.
Coding change: c.2576G>A on transcript NM_004408.4 (MANE Select); coding-DNA position 2576, G replaced by A.
Protein change: p.Arg859Lys; replaces arginine 859 with lysine.
Molecular consequence: missense variant. On other transcripts: 3 prime UTR variant (4).
Genome position (GRCh38, 1-based): chr9:128,254,695, G>A. VCF-style: chr9-128254695-G-A. GRCh37 (hg19) VCF-style: chr9-131016974-G-A.
Other names: c.*57G>A (NM_001005336.3, NM_001288737.2); c.*702G>A (NM_001288738.2); c.2576G>A, p.Arg859Lys (NM_001288739.2); c.*617G>A (NM_001374269.1); short protein forms R859K.
Identifiers: ClinVar variation 2082531 (VCV002082531.4), dbSNP rs1384863438, ClinGen allele CA375003101.

ClinVar aggregate classification (germline): Uncertain significance (1 of 4 stars; one submission).

Conditions:
Developmental and epileptic encephalopathy, 31A. Also called: Developmental and epileptic encephalopathy, 31; Epileptic encephalopathy, early infantile, 31. Identifiers: Orphanet 2382, MedGen C4225357, MONDO:0014598, OMIM 616346.

Allele frequency attached by ClinVar (database versions not stated): gnomAD 0.00001; TOPMed 0.00001.
gnomAD v4.1: 2 of 1,596,152 alleles (0.00013%); highest among the groups gnomAD compares: African/African-American, 0.0013%; no homozygotes.

Submission:

Labcorp Genetics (formerly Invitae), Labcorp
Classification: Uncertain significance for Developmental and epileptic encephalopathy, 31A. Last evaluated: 2023-10-13. Review status: criteria provided, single submitter. Criteria: Invitae Variant Classification Sherloc (09022015). Collection method: clinical testing. Allele origin: germline.
Comment: This sequence change replaces arginine, which is basic and polar, with lysine, which is basic and polar, at codon 859 of the DNM1 protein (p.Arg859Lys). This variant is present in population databases (no rsID available, gnomAD 0.004%). This variant has not been reported in the literature in individuals affected with DNM1-related conditions. ClinVar contains an entry for this variant (Variation ID: 2082531). Advanced modeling of protein sequence and biophysical properties (such as structural, functional, and spatial information, amino acid conservation, physicochemical variation, residue mobility, and thermodynamic stability) performed at Invitae indicates that this missense variant is not expected to disrupt DNM1 protein function. In summary, the available evidence is currently insufficient to determine the role of this variant in disease. Therefore, it has been classified as a Variant of Uncertain Significance.